The following is an entry in ClinVar:

NC_000020.10:g.(?_43047045)_(43047172_?)del

Gene: HNF4A (hepatocyte nuclear factor 4 alpha; plus strand). Cytogenetic location: 20q13.12.
Variant type: Deletion.
Identifiers: ClinVar variation 3248362 (VCV003248362.1).

ClinVar aggregate classification (germline): Pathogenic (1 of 4 stars; one submission).

Submission:

Labcorp Genetics (formerly Invitae), Labcorp
Classification: Pathogenic. Last evaluated: 2023-02-10. Review status: criteria provided, single submitter. Criteria: Invitae Variant Classification Sherloc (09022015). Collection method: clinical testing. Allele origin: unknown.
Comment: This variant is a gross deletion of the genomic region encompassing exon(s) 6 of the HNF4A gene. This deletion is out-of-frame, and is expected to create a premature termination codon and result in an absent or disrupted protein product. Loss-of-function variants in HNF4A are known to be pathogenic (PMID: 20164212, 23275527, 23348805, 24097065). This variant has not been reported in the literature in individuals affected with HNF4A-related conditions. For these reasons, this variant has been classified as Pathogenic.

Literature cited by the submitters: PubMed 20164212; PubMed 23275527; PubMed 23348805; PubMed 24097065.